The following is an entry in ClinVar:

NM_006445.4(PRPF8):c.896T>C (p.Ile299Thr)

Gene: PRPF8 (pre-mRNA processing factor 8; minus strand). Cytogenetic location: 17p13.3.
Variant type: single nucleotide variant.
Coding change: c.896T>C on transcript NM_006445.4 (MANE Select); coding-DNA position 896, T replaced by C.
Protein change: p.Ile299Thr; replaces isoleucine 299 with threonine.
Molecular consequence: missense variant.
Genome position (GRCh38, 1-based): chr17:1,681,025, A>G on the plus strand (T>C on the coding strand, the complement: PRPF8 is on the minus strand). VCF-style: chr17-1681025-A-G. GRCh37 (hg19) VCF-style: chr17-1584319-A-G.
Other names: short protein forms I299T.
Identifiers: ClinVar variation 3615733 (VCV003615733.3).
Genomic context (GRCh38, chr17:1,681,025, plus strand): 5'-AAGTAAGGAAAAGCAATCTTGTACTCAGTGCGGATAGGCTGCCGGATGATAATCTTGTTA[A>G]TATCATTGAATTCATTCCAGTCTTCATCCCTAGGGTACAACATCAAGAATAAGCAGACTT-3'
Protein context (NP_006436.3, residues 289-309): QDEDWNEFND[Ile299Thr]NKIIIRQPIR

ClinVar aggregate classification (germline): Uncertain significance. Review status: criteria provided, multiple submitters, no conflicts (2 of 4 stars). 2 submissions from 2 submitters: Uncertain significance (2). Last evaluated 2024-04-08.

gnomAD v4.1: 6 of 1,613,260 alleles (0.00037%); highest among the groups gnomAD compares: Non-Finnish European, 0.00042%; no homozygotes.

Submissions (2):

Labcorp Genetics (formerly Invitae), Labcorp
Classification: Uncertain significance. Last evaluated: 2024-04-08. Review status: criteria provided, single submitter. Criteria: Invitae Variant Classification Sherloc (09022015). Collection method: clinical testing. Allele origin: germline.
Comment: This sequence change replaces isoleucine, which is neutral and non-polar, with threonine, which is neutral and polar, at codon 299 of the PRPF8 protein (p.Ile299Thr). This variant is not present in population databases (gnomAD no frequency). This variant has not been reported in the literature in individuals affected with PRPF8-related conditions. Advanced modeling of protein sequence and biophysical properties (such as structural, functional, and spatial information, amino acid conservation, physicochemical variation, residue mobility, and thermodynamic stability) performed at Invitae indicates that this missense variant is expected to disrupt PRPF8 protein function with a positive predictive value of 80%. In summary, the available evidence is currently insufficient to determine the role of this variant in disease. Therefore, it has been classified as a Variant of Uncertain Significance.

Blueprint Genetics
Classification: Uncertain significance. Last evaluated: 2017-05-22. Review status: criteria provided, single submitter. Criteria: ACMG Guidelines, 2015. Collection method: clinical testing. Allele origin: germline.